The following is an entry in ClinVar:

NM_000179.3(MSH6):c.3506_3524del (p.Pro1169fs)

Gene: MSH6 (mutS homolog 6; plus strand). Cytogenetic location: 2p16.3.
Variant type: Deletion.
Coding change: c.3506_3524del on transcript NM_000179.3 (MANE Select); coding-DNA positions 3506 to 3524, 19 bases deleted (CAATTGATAGAGTGTTTAC).
Protein change: p.Pro1169fs; shifts the reading frame from proline 1169.
Molecular consequence: frameshift variant.
Genome position (GRCh38, 1-based): chr2:47,804,977-47,804,995, CAATTGATAGAGTGTTTAC deleted; deleting any 19 consecutive bases within chr2:47,804,975-47,804,995 gives the same sequence; the c. name uses the placement nearest the transcript's 3' end. VCF-style (leftmost placement, unchanged base first): chr2-47804974-CACCAATTGATAGAGTGTTT-C. GRCh37 (hg19) VCF-style: chr2-48032113-CACCAATTGATAGAGTGTTT-C.
Other names: c.3116_3134del, p.Pro1039fs (NM_001281492.2); c.2600_2618del, p.Pro867fs (NM_001281493.2, NM_001281494.2); short protein forms P867fs, P1039fs, P1169fs.
Identifiers: ClinVar variation 1405945 (VCV001405945.7), dbSNP rs2104507417, ClinGen allele CA2573134740.

ClinVar aggregate classification (germline): Pathogenic. Review status: criteria provided, multiple submitters, no conflicts (2 of 4 stars). 2 submissions from 2 submitters: Pathogenic (2). Last evaluated 2025-05-07.

Conditions:
Lynch syndrome 5 (LYNCH5). Also called: Hereditary non-polyposis colorectal cancer, type 5; Colorectal cancer, hereditary nonpolyposis, type 5. Identifiers: Orphanet 144, MedGen C1833477, MONDO:0013710, OMIM 614350. Disease mechanism: loss of function.
Hereditary nonpolyposis colorectal neoplasms. Identifiers: MedGen C0009405, MeSH D003123.

Submissions (2):

Labcorp Genetics (formerly Invitae), Labcorp
Classification: Pathogenic for Hereditary nonpolyposis colorectal neoplasms. Last evaluated: 2025-05-07. Review status: criteria provided, single submitter. Criteria: Invitae Variant Classification Sherloc (09022015). Collection method: clinical testing. Allele origin: germline.
Comment: This sequence change creates a premature translational stop signal (p.Pro1169Leufs*9) in the MSH6 gene. It is expected to result in an absent or disrupted protein product. Loss-of-function variants in MSH6 are known to be pathogenic (PMID: 18269114, 24362816). This variant is not present in population databases (gnomAD no frequency). This variant has not been reported in the literature in individuals affected with MSH6-related conditions. ClinVar contains an entry for this variant (Variation ID: 1405945). For these reasons, this variant has been classified as Pathogenic.

Myriad Genetics, Inc.
Classification: Pathogenic for Lynch syndrome 5. Last evaluated: 2023-08-24. Review status: criteria provided, single submitter. Criteria: Myriad Autosomal Dominant, Autosomal Recessive and X-Linked Classification Criteria (2023). Collection method: clinical testing. Allele origin: unknown.
Comment: This variant is considered pathogenic. This variant creates a frameshift predicted to result in premature protein truncation.

Literature cited by the submitters: PubMed 18269114 (cited by Labcorp Genetics (formerly Invitae), Labcorp); PubMed 24362816 (cited by Labcorp Genetics (formerly Invitae), Labcorp).